The following is an entry in ClinVar:

ClinVar aggregate classification (germline): Uncertain significance (1 of 4 stars; one submission).

Conditions:
Wiskott-Aldrich syndrome 2 (WAS2). Also called: WIPF1 DEFICIENCY. Identifiers: Orphanet 906, MedGen C3281001, MONDO:0013779, OMIM 614493.

Submission:

Labcorp Genetics (formerly Invitae), Labcorp
Classification: Uncertain significance for Wiskott-Aldrich syndrome 2. Last evaluated: 2024-09-12. Review status: criteria provided, single submitter. Criteria: Invitae Variant Classification Sherloc (09022015). Collection method: clinical testing. Allele origin: germline.
Comment: This sequence change replaces aspartic acid, which is acidic and polar, with valine, which is neutral and non-polar, at codon 120 of the WIPF1 protein (p.Asp120Val). This variant is not present in population databases (gnomAD no frequency). This variant has not been reported in the literature in individuals affected with WIPF1-related conditions. An algorithm developed to predict the effect of missense changes on protein structure and function (PolyPhen-2) suggests that this variant is likely to be disruptive. In summary, the available evidence is currently insufficient to determine the role of this variant in disease. Therefore, it has been classified as a Variant of Uncertain Significance.

NM_001375834.1(WIPF1):c.359A>T (p.Asp120Val)

Gene: WIPF1 (WAS/WASL interacting protein family member 1; minus strand). Cytogenetic location: 2q31.1.
Variant type: single nucleotide variant.
Coding change: c.359A>T on transcript NM_001375834.1 (MANE Select); coding-DNA position 359, A replaced by T.
Protein change: p.Asp120Val; replaces aspartic acid 120 with valine.
Molecular consequence: missense variant. On other transcripts: intron variant (1).
Genome position (GRCh38, 1-based): chr2:174,572,446, T>A on the plus strand (A>T on the coding strand, the complement: WIPF1 is on the minus strand). VCF-style: chr2-174572446-T-A. GRCh37 (hg19) VCF-style: chr2-175437174-T-A.
Other names: c.359A>T, p.Asp120Val (NM_001077269.1, NM_001375832.1, NM_001375833.1 and 5 more transcripts); c.182-201A>T (NM_001375839.1); short protein forms D120V.
Identifiers: ClinVar variation 3664160 (VCV003664160.2).